The following is an entry in ClinVar:

NM_182641.4(BPTF):c.7614A>C (p.Lys2538Asn)

Gene: BPTF (bromodomain PHD finger transcription factor; plus strand). Cytogenetic location: 17q24.2.
Variant type: single nucleotide variant.
Coding change: c.7614A>C on transcript NM_182641.4 (MANE Select); coding-DNA position 7614, A replaced by C.
Protein change: p.Lys2538Asn; replaces lysine 2538 with asparagine.
Molecular consequence: missense variant. On other transcripts: intron variant (1).
Genome position (GRCh38, 1-based): chr17:67,946,322, A>C. VCF-style: chr17-67946322-A-C. GRCh37 (hg19) VCF-style: chr17-65942438-A-C.
Other names: c.7566+426A>C (NM_004459.7); short protein forms K2538N.
Identifiers: ClinVar variation 2662205 (VCV002662205.1), dbSNP rs2512567548, ClinGen allele CA400726025.

ClinVar aggregate classification (germline): Uncertain significance (1 of 4 stars; one submission).

Submission:

GeneDx
Classification: Uncertain significance. Last evaluated: 2023-05-13. Review status: criteria provided, single submitter. Criteria: GeneDx Variant Classification Process June 2021. Collection method: clinical testing. Allele origin: germline. Affected: yes.
Comment: Not observed at significant frequency in large population cohorts (gnomAD); In silico analysis supports that this variant does not alter splicing; Has not been previously published as pathogenic or benign to our knowledge